The following is an entry in ClinVar:

ClinVar aggregate classification (germline): Uncertain significance. Review status: criteria provided, multiple submitters, no conflicts (2 of 4 stars). 2 submissions from 2 submitters: Uncertain significance (2). Last evaluated 2024-09-09.

Allele frequency attached by ClinVar (database versions not stated): gnomAD exomes below 0.00001; TOPMed 0.00002.
gnomAD v4.1: 6 of 1,613,654 alleles (0.00037%); highest among the groups gnomAD compares: Middle Eastern, 0.017%; no homozygotes.

Submissions (2):

Labcorp Genetics (formerly Invitae), Labcorp
Classification: Uncertain significance. Last evaluated: 2024-09-09. Review status: criteria provided, single submitter. Criteria: Invitae Variant Classification Sherloc (09022015). Collection method: clinical testing. Allele origin: germline.
Comment: This sequence change replaces histidine, which is basic and polar, with tyrosine, which is neutral and polar, at codon 41 of the ANKRD26 protein (p.His41Tyr). This variant is not present in population databases (gnomAD no frequency). This variant has not been reported in the literature in individuals affected with ANKRD26-related conditions. ClinVar contains an entry for this variant (Variation ID: 1311901). An algorithm developed to predict the effect of missense changes on protein structure and function outputs the following: PolyPhen-2: "Benign". The tyrosine amino acid residue is found in multiple mammalian species, which suggests that this missense change does not adversely affect protein function. In summary, the available evidence is currently insufficient to determine the role of this variant in disease. Therefore, it has been classified as a Variant of Uncertain Significance.

GeneDx
Classification: Uncertain significance. Last evaluated: 2020-01-09. Review status: criteria provided, single submitter. Criteria: GeneDx Variant Classification Process June 2021. Collection method: clinical testing. Allele origin: germline. Affected: yes.
Comment: Not observed in large population cohorts (Lek 2016); In silico analysis, which includes protein predictors and evolutionary conservation, supports that this variant does not alter protein structure/function; Has not been previously published as pathogenic or benign to our knowledge

NM_014915.3(ANKRD26):c.121C>T (p.His41Tyr)

Genes: ANKRD26 (ankyrin repeat domain 26; minus strand), LOC130003554 (ATAC-STARR-seq lymphoblastoid silent region 2243; plus strand). Cytogenetic location: 10p12.1.
Variant type: single nucleotide variant.
Coding change: c.121C>T on transcript NM_014915.3 (MANE Select); coding-DNA position 121, C replaced by T.
Protein change: p.His41Tyr; replaces histidine 41 with tyrosine.
Molecular consequence: missense variant.
Genome position (GRCh38, 1-based): chr10:27,100,206, G>A on the plus strand (C>T on the coding strand, the complement: ANKRD26 is on the minus strand). VCF-style: chr10-27100206-G-A. GRCh37 (hg19) VCF-style: chr10-27389135-G-A.
Other names: c.121C>T, p.His41Tyr (NM_001256053.2); short protein forms H41Y.
Identifiers: ClinVar variation 1311901 (VCV001311901.4), dbSNP rs1473838876, ClinGen allele CA376369762.
Genomic context (GRCh38, chr10:27,100,206, plus strand): 5'-TCGCCACATTACCCGCGCTGGCAGCTTTGTGGATCTTGCCGAGATCTCGGTCTCGGACGT[G>A]GTAGCCGGGCTGCGAGTAGGCGCCCTCCCCCGGCTCGCCCCCGCCTCCCGCGCTGCTCCT-3'
Protein context (NP_055730.2, residues 31-51): GEGAYSQPGY[His41Tyr]VRDRDLGKIH